The following is an entry in ClinVar:

NM_001364171.2(ODAD1):c.483+1G>A

Gene: ODAD1 (outer dynein arm docking complex subunit 1; minus strand). Cytogenetic location: 19q13.33.
Variant type: single nucleotide variant.
Coding change: c.483+1G>A on transcript NM_001364171.2 (MANE Select); the canonical splice donor site of the intron after coding-DNA position 483, G replaced by A.
Molecular consequence: splice donor variant.
Genome position (GRCh38, 1-based): chr19:48,311,993, C>T on the plus strand (G>A on the coding strand, the complement: ODAD1 is on the minus strand). VCF-style: chr19-48311993-C-T. GRCh37 (hg19) VCF-style: chr19-48815250-C-T.
Other names: c.372+1G>A (NM_144577.4).
Identifiers: ClinVar variation 2736917 (VCV002736917.3), dbSNP rs2515950018, ClinGen allele CA406664469.

ClinVar aggregate classification (germline): Pathogenic (1 of 4 stars; one submission).

Conditions:
Primary ciliary dyskinesia. Also called: Ciliary dyskinesia. Identifiers: Orphanet 244, MedGen C0008780, MONDO:0016575, HP:0012265.

Submission:

Labcorp Genetics (formerly Invitae), Labcorp
Classification: Pathogenic for Primary ciliary dyskinesia. Last evaluated: 2023-10-24. Review status: criteria provided, single submitter. Criteria: Invitae Variant Classification Sherloc (09022015). Collection method: clinical testing. Allele origin: germline.
Comment: This sequence change affects a donor splice site in intron 4 of the CCDC114 gene. It is expected to disrupt RNA splicing. Variants that disrupt the donor or acceptor splice site typically lead to a loss of protein function (PMID: 16199547), and loss-of-function variants in CCDC114 are known to be pathogenic (PMID: 23261302, 23261303). This variant is not present in population databases (gnomAD no frequency). Disruption of this splice site has been observed in individual(s) with clinical features of primary ciliary dyskinesia (PMID: 27637300). Algorithms developed to predict the effect of sequence changes on RNA splicing suggest that this variant may disrupt the consensus splice site. For these reasons, this variant has been classified as Pathogenic.

Literature cited by the submitters: PubMed 16199547; PubMed 23261302; PubMed 23261303; PubMed 27637300.